The following is an entry in ClinVar:

NM_014324.6(AMACR):c.78C>T (p.Asp26=)

Genes: AMACR (alpha-methylacyl-CoA racemase; minus strand), C1QTNF3-AMACR (C1QTNF3-AMACR readthrough (NMD candidate); minus strand). Cytogenetic location: 5p13.2.
Variant type: single nucleotide variant.
Coding change: c.78C>T on transcript NM_014324.6 (MANE Select); coding-DNA position 78, C replaced by T.
Protein change: p.Asp26=; no amino-acid change (aspartic acid 26 retained).
Molecular consequence: synonymous variant.
Genome position (GRCh38, 1-based): chr5:34,007,942, G>A on the plus strand (C>T on the coding strand, the complement: AMACR is on the minus strand). VCF-style: chr5-34007942-G-A. GRCh37 (hg19) VCF-style: chr5-34008047-G-A.
Other names: c.78C>T, p.Asp26= (NM_001167595.2, NM_203382.3).
Identifiers: ClinVar variation 4992613 (VCV004992613.1).

ClinVar aggregate classification (germline): Likely benign (1 of 4 stars; one submission).

Conditions:
AMACR-related disorder. Also called: AMACR-Related Disorders; AMACR-related condition.

Submission:

PreventionGenetics, part of Exact Sciences
Classification: Likely benign for AMACR-related condition. Last evaluated: 2025-09-01. Review status: criteria provided, single submitter. Criteria: ACMG Guidelines, 2015. Collection method: clinical testing. Allele origin: germline.
Comment: This variant is classified as likely benign based on ACMG/AMP sequence variant interpretation guidelines (Richards et al. 2015 PMID: 25741868, with internal and published modifications).